The following is an entry in ClinVar:

ClinVar aggregate classification (germline): Uncertain significance (1 of 4 stars; one submission).

Conditions:
Hereditary cancer-predisposing syndrome. Also called: Tumor predisposition; Hereditary neoplastic syndrome; Hereditary Cancer Syndrome; Neoplastic Syndromes, Hereditary. Identifiers: Orphanet 140162, MedGen C0027672, MeSH D009386, MONDO:0015356.

Submission:

Ambry Genetics
Classification: Uncertain significance for Hereditary cancer-predisposing syndrome. Last evaluated: 2025-03-25. Review status: criteria provided, single submitter. Criteria: Ambry Variant Classification Scheme 2023. Collection method: clinical testing. Allele origin: germline.
Comment: The c.973+4T>C intronic variant results from a T to C substitution 4 nucleotides after coding exon 9 in the PRKAR1A gene. This nucleotide position is not well conserved in available vertebrate species. In silico splice site analysis predicts that this alteration will not have any significant effect on splicing. Based on the available evidence, the clinical significance of this variant remains unclear.

NM_002734.5(PRKAR1A):c.973+4T>C

Gene: PRKAR1A (protein kinase cAMP-dependent type I regulatory subunit alpha; plus strand). Cytogenetic location: 17q24.2.
Variant type: single nucleotide variant.
Coding change: c.973+4T>C on transcript NM_002734.5 (MANE Select); 4 bases into the intron after coding-DNA position 973, T replaced by C.
Molecular consequence: intron variant.
Genome position (GRCh38, 1-based): chr17:68,530,005, T>C. VCF-style: chr17-68530005-T-C. GRCh37 (hg19) VCF-style: chr17-66526146-T-C.
Other names: c.973+4T>C (NM_001278433.2, NM_001369389.1, NM_212471.3 and 4 more transcripts).
Identifiers: ClinVar variation 3938084 (VCV003938084.1).